The following is an entry in ClinVar:

NM_004519.4(KCNQ3):c.386+33260C>T

Gene: KCNQ3 (potassium voltage-gated channel subfamily Q member 3; minus strand). Cytogenetic location: 8q24.22.
Variant type: single nucleotide variant.
Coding change: c.386+33260C>T on transcript NM_004519.4 (MANE Select); 33260 bases into the intron after coding-DNA position 386, C replaced by T.
Molecular consequence: intron variant.
Genome position (GRCh38, 1-based): chr8:132,446,887, G>A on the plus strand (C>T on the coding strand, the complement: KCNQ3 is on the minus strand). VCF-style: chr8-132446887-G-A. GRCh37 (hg19) VCF-style: chr8-133459134-G-A.
Other names: c.26+314C>T (NM_001204824.2).
Identifiers: ClinVar variation 674233 (VCV000674233.1), dbSNP rs141384470, ClinGen allele CA186254704.

ClinVar aggregate classification (germline): Likely benign (1 of 4 stars; one submission).

Allele frequency attached by ClinVar (database versions not stated): gnomAD 0.00352 and 0.00379; TOPMed 0.00384; 1000 Genomes Project 0.00399; 1000 Genomes Project 30x 0.00406.
gnomAD v4.1: 531 of 152,342 alleles (0.35%); highest among the groups gnomAD compares: African/African-American, 1.2%; 5 homozygotes.

Submission:

GeneDx
Classification: Likely benign. Last evaluated: 2018-06-19. Review status: criteria provided, single submitter. Criteria: GeneDx Variant Classification (06012015). Collection method: clinical testing. Allele origin: germline. Affected: yes.
Comment: This variant is considered likely benign or benign based on one or more of the following criteria: it is a conservative change, it occurs at a poorly conserved position in the protein, it is predicted to be benign by multiple in silico algorithms, and/or has population frequency not consistent with disease.